The following is an entry in ClinVar:

NM_006231.4(POLE):c.817G>C (p.Ala273Pro)

Gene: POLE (DNA polymerase epsilon, catalytic subunit; minus strand). Cytogenetic location: 12q24.33.
Variant type: single nucleotide variant.
Coding change: c.817G>C on transcript NM_006231.4 (MANE Select); coding-DNA position 817, G replaced by C.
Protein change: p.Ala273Pro; replaces alanine 273 with proline.
Molecular consequence: missense variant.
Genome position (GRCh38, 1-based): chr12:132,676,638, C>G on the plus strand (G>C on the coding strand, the complement: POLE is on the minus strand). VCF-style: chr12-132676638-C-G. GRCh37 (hg19) VCF-style: chr12-133253224-C-G.
Other names: short protein forms A273P.
Identifiers: ClinVar variation 834306 (VCV000834306.9), dbSNP rs2043060294, ClinGen allele CA387364357.

ClinVar aggregate classification (germline): Uncertain significance (1 of 4 stars; one submission).

Submission:

Labcorp Genetics (formerly Invitae), Labcorp
Classification: Uncertain significance. Last evaluated: 2019-02-18. Review status: criteria provided, single submitter. Criteria: Invitae Variant Classification Sherloc (09022015). Collection method: clinical testing. Allele origin: germline.
Comment: This sequence change replaces alanine with proline at codon 273 of the POLE protein (p.Ala273Pro). The alanine residue is highly conserved and there is a small physicochemical difference between alanine and proline. In summary, the available evidence is currently insufficient to determine the role of this variant in disease. Therefore, it has been classified as a Variant of Uncertain Significance. Algorithms developed to predict the effect of missense changes on protein structure and function (SIFT, PolyPhen-2, Align-GVGD) all suggest that this variant is likely to be disruptive, but these predictions have not been confirmed by published functional studies and their clinical significance is uncertain. This variant has not been reported in the literature in individuals with POLE-related conditions. This variant is not present in population databases (ExAC no frequency).